The following is an entry in ClinVar:

NM_004958.4(MTOR):c.4013T>G (p.Ile1338Ser)

Gene: MTOR (mechanistic target of rapamycin kinase; minus strand). Cytogenetic location: 1p36.22.
Variant type: single nucleotide variant.
Coding change: c.4013T>G on transcript NM_004958.4 (MANE Select); coding-DNA position 4013, T replaced by G.
Protein change: p.Ile1338Ser; replaces isoleucine 1338 with serine.
Molecular consequence: missense variant.
Genome position (GRCh38, 1-based): chr1:11,199,635, A>C on the plus strand (T>G on the coding strand, the complement: MTOR is on the minus strand). VCF-style: chr1-11199635-A-C. GRCh37 (hg19) VCF-style: chr1-11259692-A-C.
Other names: c.4013T>G, p.Ile1338Ser (NM_001386500.1); c.2765T>G, p.Ile922Ser (NM_001386501.1); short protein forms I1338S, I922S.
Identifiers: ClinVar variation 1810735 (VCV001810735.1), dbSNP rs2100746677, ClinGen allele CA338390784.

ClinVar aggregate classification (germline): Uncertain significance (1 of 4 stars; one submission).

Submission:

GeneDx
Classification: Uncertain significance. Last evaluated: 2022-07-08. Review status: criteria provided, single submitter. Criteria: GeneDx Variant Classification Process June 2021. Collection method: clinical testing. Allele origin: germline. Affected: yes.
Comment: Not observed at significant frequency in large population cohorts (gnomAD); In silico analysis supports that this missense variant has a deleterious effect on protein structure/function; Has not been previously published as pathogenic or benign to our knowledge